The following is an entry in ClinVar:

NM_004484.4(GPC3):c.359G>A (p.Arg120His)

Gene: GPC3 (glypican 3; minus strand). Cytogenetic location: Xq26.2.
Variant type: single nucleotide variant.
Coding change: c.359G>A on transcript NM_004484.4 (MANE Select); coding-DNA position 359, G replaced by A.
Protein change: p.Arg120His; replaces arginine 120 with histidine.
Molecular consequence: missense variant.
Genome position (GRCh38, 1-based): chrX:133,754,155, C>T on the plus strand (G>A on the coding strand, the complement: GPC3 is on the minus strand). VCF-style: chrX-133754155-C-T. GRCh37 (hg19) VCF-style: chrX-132888182-C-T.
Other names: c.359G>A (NM_001164617.1); c.359G>A, p.Arg120His (NM_001164617.2); c.311G>A, p.Arg104His (NM_001164618.2); c.197G>A, p.Arg66His (NM_001164619.2); short protein forms R120H, R66H, R104H.
Identifiers: ClinVar variation 415271 (VCV000415271.25), dbSNP rs148021273, ClinGen allele CA10520840.

ClinVar aggregate classification (germline): Benign/Likely benign. Review status: criteria provided, multiple submitters, no conflicts (2 of 4 stars). 8 submissions from 8 submitters: Benign (2); Likely benign (3). 3 of the submissions do not count toward it. Last evaluated 2026-02-03.

Conditions:
GPC3-related disorder. Also called: GPC3-related condition.
Hereditary cancer-predisposing syndrome. Also called: Tumor predisposition; Hereditary neoplastic syndrome; Hereditary Cancer Syndrome; Neoplastic Syndromes, Hereditary. Identifiers: Orphanet 140162, MedGen C0027672, MeSH D009386, MONDO:0015356.
Wilms tumor 1 (WT1). Also called: Wilms tumor, somatic. Identifiers: Orphanet 654, MedGen CN033288, MONDO:0008679, OMIM 194070.
Simpson-Golabi-Behmel syndrome type 1 (SGBS1). Also called: BULLDOG SYNDROME; SIMPSON DYSMORPHIA SYNDROME; GPC3-Related Simpson-Golabi-Behmel Syndrome Type 1; DYSPLASIA GIGANTISM SYNDROME, X-LINKED; GOLABI-ROSEN SYNDROME. Identifiers: Orphanet 373, MedGen C0796154, MONDO:0020602, OMIM 312870.

Allele frequency attached by ClinVar (database versions not stated): gnomAD exomes 0.00010 and 0.00031; ExAC 0.00032; gnomAD 0.00052 and 0.00053; 1000 Genomes Project 0.00053; ESP Exome Variant Server 0.00066; TOPMed 0.00076; 1000 Genomes Project 30x 0.00083.
gnomAD v4.1: 170 of 1,163,014 alleles (0.015%); highest among the groups gnomAD compares: African/African-American, 0.15%; 1 homozygote.

Submissions (8):

Labcorp Genetics (formerly Invitae), Labcorp
Classification: Benign for Wilms tumor 1. Last evaluated: 2026-02-03. Review status: criteria provided, single submitter. Criteria: Invitae Variant Classification Sherloc (09022015). Collection method: clinical testing. Allele origin: germline.

CeGaT Center for Human Genetics Tuebingen
Classification: Likely benign. Last evaluated: 2025-10-01. Review status: criteria provided, single submitter. Criteria: CeGaT Center For Human Genetics Tuebingen Variant Classification Criteria Version 2. Collection method: clinical testing. Allele origin: germline. Affected: yes. Observed: 1 variant allele.
Comment: GPC3: BS2

KCCC/NGS Laboratory, Kuwait Cancer Control Center
Classification: Benign for Simpson-Golabi-Behmel syndrome type 1. Last evaluated: 2025-02-01. Review status: criteria provided, single submitter. Criteria: ACMG Guidelines, 2015. Collection method: clinical testing. Allele origin: germline. Affected: no.

Sema4
Classification: Likely benign for Hereditary cancer-predisposing syndrome. Last evaluated: 2021-06-24. Review status: criteria provided, single submitter. Criteria: Sema4 Curation Guidelines. Collection method: curation. Allele origin: germline.

GeneDx
Classification: Likely benign. Last evaluated: 2020-06-18. Review status: criteria provided, single submitter. Criteria: GeneDx Variant Classification Process June 2021. Collection method: clinical testing. Allele origin: germline. Affected: yes.
Comment: This variant is associated with the following publications: (PMID: 28497333)

PreventionGenetics, part of Exact Sciences
Classification: Likely benign for GPC3-related condition. Last evaluated: 2020-08-06. Review status: no assertion criteria provided. Collection method: clinical testing. Allele origin: germline. Not counted in ClinVar's aggregate classification.
Comment: This variant is classified as likely benign based on ACMG/AMP sequence variant interpretation guidelines (Richards et al. 2015 PMID: 25741868, with internal and published modifications).

Clinical Genetics DNA and cytogenetics Diagnostics Lab, Erasmus MC, Erasmus Medical Center
Classification: Likely benign. Review status: no assertion criteria provided. Collection method: clinical testing. Allele origin: germline. Affected: yes. Study: VKGL Data-share Consensus. Not counted in ClinVar's aggregate classification.

Genome Diagnostics Laboratory, University Medical Center Utrecht
Classification: Likely benign. Review status: no assertion criteria provided. Collection method: clinical testing. Allele origin: germline. Affected: yes. Study: VKGL Data-share Consensus. Not counted in ClinVar's aggregate classification.